The following is an entry in ClinVar:

ClinVar aggregate classification (germline): Likely benign. Review status: criteria provided, multiple submitters, no conflicts (2 of 4 stars). 6 submissions from 6 submitters: Likely benign (6). Last evaluated 2025-11-27.

Conditions:
Cardiovascular phenotype. Identifiers: MedGen CN230736.
Cardiomyopathy (CMYO). Also called: Cardiomyopathies. Identifiers: Orphanet 167848, MedGen C0878544, MONDO:0004994, HP:0001638. Inheritance: Various modes of inheritance.
Hypertrophic cardiomyopathy. Also called: HYPERTROPHIC MYOCARDIOPATHY. Identifiers: Orphanet 217569, MedGen C0007194, MeSH D002312, MONDO:0005045, HP:0001639.

Allele frequency attached by ClinVar (database versions not stated): gnomAD exomes below 0.00001 and 0.00001; TOPMed below 0.00001; ExAC 0.00001; gnomAD 0.00001.
gnomAD v4.1: 6 of 1,614,084 alleles (0.00037%); highest among the groups gnomAD compares: South Asian, 0.0022%; no homozygotes.

Submissions (6):

Labcorp Genetics (formerly Invitae), Labcorp
Classification: Likely benign for Hypertrophic cardiomyopathy. Last evaluated: 2025-11-27. Review status: criteria provided, single submitter. Criteria: Invitae Variant Classification Sherloc (09022015). Collection method: clinical testing. Allele origin: germline.

All of Us Research Program, National Institutes of Health
Classification: Likely benign for Hypertrophic cardiomyopathy. Last evaluated: 2023-11-30. Review status: criteria provided, single submitter. Criteria: ACMG Guidelines, 2015. Collection method: clinical testing. Allele origin: germline. Inheritance: Autosomal dominant inheritance. Observed: 2 variant alleles, 2 heterozygotes.
Comment: This study involves interpretation of variants in research participants for the purpose of population health screening. Participant phenotype was not available at the time of variant classification. Additional details can be found in publication PMID: 35346344, PMCID: PMC8962531

Blueprint Genetics
Classification: Likely benign. Last evaluated: 2023-01-27. Review status: criteria provided, single submitter. Criteria: ACMG Guidelines, 2015. Collection method: clinical testing. Allele origin: germline.

Color Diagnostics, LLC DBA Color Health
Classification: Likely benign for Cardiomyopathy. Last evaluated: 2021-10-21. Review status: criteria provided, single submitter. Criteria: ACMG Guidelines, 2015. Collection method: clinical testing. Allele origin: germline.

CHEO Genetics Diagnostic Laboratory, Children's Hospital of Eastern Ontario
Classification: Likely benign for Cardiomyopathy. Last evaluated: 2021-10-08. Review status: criteria provided, single submitter. Criteria: ACMG Guidelines, 2015. Collection method: clinical testing. Allele origin: germline.

Ambry Genetics
Classification: Likely benign for Cardiovascular phenotype. Last evaluated: 2020-10-13. Review status: criteria provided, single submitter. Criteria: Ambry Variant Classification Scheme 2023. Collection method: clinical testing. Allele origin: germline.

NM_000363.5(TNNI3):c.300C>G (p.Leu100=)

Gene: TNNI3 (troponin I3, cardiac type; minus strand). Cytogenetic location: 19q13.42.
Variant type: single nucleotide variant.
Coding change: c.300C>G on transcript NM_000363.5 (MANE Select); coding-DNA position 300, C replaced by G.
Protein change: p.Leu100=; no amino-acid change (leucine 100 retained).
Molecular consequence: synonymous variant.
Genome position (GRCh38, 1-based): chr19:55,154,813, G>C on the plus strand (C>G on the coding strand, the complement: TNNI3 is on the minus strand). VCF-style: chr19-55154813-G-C. GRCh37 (hg19) VCF-style: chr19-55666181-G-C.
Identifiers: ClinVar variation 1153166 (VCV001153166.16), dbSNP rs772145171, ClinGen allele CA051155.